The following is an entry in ClinVar:

NM_001020658.2(PUM1):c.334A>G (p.Thr112Ala)

Gene: PUM1 (pumilio RNA binding family member 1; minus strand). Cytogenetic location: 1p35.2.
Variant type: single nucleotide variant.
Coding change: c.334A>G on transcript NM_001020658.2 (MANE Select); coding-DNA position 334, A replaced by G.
Protein change: p.Thr112Ala; replaces threonine 112 with alanine.
Molecular consequence: missense variant.
Genome position (GRCh38, 1-based): chr1:31,059,233, T>C on the plus strand (A>G on the coding strand, the complement: PUM1 is on the minus strand). VCF-style: chr1-31059233-T-C. GRCh37 (hg19) VCF-style: chr1-31532080-T-C.
Other names: c.334A>G, p.Thr112Ala (NM_014676.3); short protein forms T112A.
Identifiers: ClinVar variation 1306627 (VCV001306627.2), dbSNP rs2124007811, ClinGen allele CA339572330.

ClinVar aggregate classification (germline): Uncertain significance (1 of 4 stars; one submission).

Allele frequency attached by ClinVar (database versions not stated): gnomAD exomes below 0.00001.
gnomAD v4.1: 1 of 1,606,414 alleles (0.000062%); highest among the groups gnomAD compares: Non-Finnish European, 0.000085%; no homozygotes.

Submission:

GeneDx
Classification: Uncertain significance. Last evaluated: 2019-06-20. Review status: criteria provided, single submitter. Criteria: GeneDx Variant Classification Process June 2021. Collection method: clinical testing. Allele origin: germline. Affected: yes.
Comment: Not observed in large population cohorts (Lek et al., 2016); In silico analysis, which includes protein predictors and evolutionary conservation, supports that this variant does not alter protein structure/function; Has not been previously published as pathogenic or benign to our knowledge